The following is an entry in ClinVar:

NM_014550.4(CARD10):c.3012G>C (p.Val1004=)

Gene: CARD10 (caspase recruitment domain family member 10; minus strand). Cytogenetic location: 22q13.1.
Variant type: single nucleotide variant.
Coding change: c.3012G>C on transcript NM_014550.4 (MANE Select); coding-DNA position 3012, G replaced by C.
Protein change: p.Val1004=; no amino-acid change (valine 1004 retained).
Molecular consequence: synonymous variant.
Genome position (GRCh38, 1-based): chr22:37,491,246, C>G on the plus strand (G>C on the coding strand, the complement: CARD10 is on the minus strand). VCF-style: chr22-37491246-C-G. GRCh37 (hg19) VCF-style: chr22-37887284-C-G.
Identifiers: ClinVar variation 2653115 (VCV002653115.24), dbSNP rs1447230769, ClinGen allele CA514509040.

ClinVar aggregate classification (germline): Likely benign (1 of 4 stars; one submission).

Submission:

CeGaT Center for Human Genetics Tuebingen
Classification: Likely benign. Last evaluated: 2022-03-01. Review status: criteria provided, single submitter. Criteria: CeGaT Center For Human Genetics Tuebingen Variant Classification Criteria Version 2. Collection method: clinical testing. Allele origin: germline. Affected: yes. Observed: 1 variant allele.
Comment: CARD10: BP4, BP7